The following is an entry in ClinVar:

NM_004415.4(DSP):c.5455del (p.Ile1819fs)

Gene: DSP (desmoplakin; plus strand). Cytogenetic location: 6p24.3.
Variant type: Deletion.
Coding change: c.5455del on transcript NM_004415.4 (MANE Select); coding-DNA position 5455, one base deleted (A; older notation c.5455delA).
Protein change: p.Ile1819fs; shifts the reading frame from isoleucine 1819.
Molecular consequence: frameshift variant.
Genome position (GRCh38, 1-based): chr6:7,582,717, A deleted; the last of 4 consecutive A bases (chr6:7,582,714-7,582,717); deleting any one gives the same sequence. VCF-style (leftmost placement, unchanged base first): chr6-7582713-GA-G. GRCh37 (hg19) VCF-style: chr6-7582946-GA-G.
Other names: c.3658del, p.Ile1220fs (NM_001008844.3); c.4126del, p.Ile1376fs (NM_001319034.2); short protein forms I1819fs, I1220fs, I1376fs.
Identifiers: ClinVar variation 1747633 (VCV001747633.2), dbSNP rs2533936024, ClinGen allele CA2580075443.

ClinVar aggregate classification (germline): Pathogenic (1 of 4 stars; one submission).

Conditions:
Cardiovascular phenotype. Identifiers: MedGen CN230736.

Submission:

Ambry Genetics
Classification: Pathogenic for Cardiovascular phenotype. Last evaluated: 2018-06-28. Review status: criteria provided, single submitter. Criteria: Ambry Variant Classification Scheme 2023. Collection method: clinical testing. Allele origin: germline.
Comment: The c.5455delA pathogenic mutation, located in coding exon 24 of the DSP gene, results from a deletion of one nucleotide at nucleotide position 5455, causing a translational frameshift with a predicted alternate stop codon (p.I1819Sfs*18). Alterations in DSP that result in haploinsufficiency or protein truncation have been reported in patients with arrhythmogenic right ventricular cardiomyopathy (ARVC) and dilated cardiomyopathy (DCM) (Fressart V et al. Europace. 2010;12(6):861-8; Elliott P et al. Circ Cardiovasc Genet. 2010;3(4):314-22; Quarta G et al. Circulation. 2011;123(23):2701-9; Garcia-Pavia P et al. Heart. 2011;97(21):1744-52; Rasmussen TB et al. Clin Genet. 2013;84(1):20-30; Pugh TJ et al. Genet Med. 2014;16(8):601-8). This alteration is expected to result in loss of function by premature protein truncation. As such, this alteration is interpreted as a disease-causing mutation.